The following is an entry in ClinVar:

NM_003673.4(TCAP):c.265C>A (p.Leu89Met)

Gene: TCAP (titin-cap; plus strand). Cytogenetic location: 17q12.
Variant type: single nucleotide variant.
Coding change: c.265C>A on transcript NM_003673.4 (MANE Select); coding-DNA position 265, C replaced by A.
Protein change: p.Leu89Met; replaces leucine 89 with methionine.
Molecular consequence: missense variant.
Genome position (GRCh38, 1-based): chr17:39,665,870, C>A. VCF-style: chr17-39665870-C-A. GRCh37 (hg19) VCF-style: chr17-37822123-C-A.
Other names: short protein forms L89M.
Identifiers: ClinVar variation 2952074 (VCV002952074.3), dbSNP rs1413481795, ClinGen allele CA399304673.

ClinVar aggregate classification (germline): Uncertain significance (1 of 4 stars; one submission).

Conditions:
Primary familial hypertrophic cardiomyopathy (HCM). Identifiers: Orphanet 99739, MedGen C0949658, MeSH D024741, MONDO:0024573. Inheritance: Various modes of inheritance.
Hypertrophic cardiomyopathy 25 (CMH25). Also called: CARDIOMYOPATHY, FAMILIAL HYPERTROPHIC, 25. Identifiers: MedGen C4225408, MONDO:0011843, OMIM 607487.

Submission:

Labcorp Genetics (formerly Invitae), Labcorp
Classification: Uncertain significance for Hypertrophic cardiomyopathy 25; Primary familial hypertrophic cardiomyopathy. Last evaluated: 2023-09-20. Review status: criteria provided, single submitter. Criteria: Invitae Variant Classification Sherloc (09022015). Collection method: clinical testing. Allele origin: germline.
Comment: In summary, the available evidence is currently insufficient to determine the role of this variant in disease. Therefore, it has been classified as a Variant of Uncertain Significance. An algorithm developed to predict the effect of missense changes on protein structure and function (PolyPhen-2) suggests that this variant is likely to be disruptive. This variant has not been reported in the literature in individuals affected with TCAP-related conditions. This variant is not present in population databases (gnomAD no frequency). This sequence change replaces leucine, which is neutral and non-polar, with methionine, which is neutral and non-polar, at codon 89 of the TCAP protein (p.Leu89Met).